The following is an entry in ClinVar:

NM_005476.7(GNE):c.804G>A (p.Lys268=)

Gene: GNE (glucosamine (UDP-N-acetyl)-2-epimerase/N-acetylmannosamine kinase; minus strand). Cytogenetic location: 9p13.3.
Variant type: single nucleotide variant.
Coding change: c.804G>A on transcript NM_005476.7 (MANE Select); coding-DNA position 804, G replaced by A.
Protein change: p.Lys268=; no amino-acid change (lysine 268 retained).
Molecular consequence: synonymous variant.
Genome position (GRCh38, 1-based): chr9:36,234,098, C>T on the plus strand (G>A on the coding strand, the complement: GNE is on the minus strand). VCF-style: chr9-36234098-C-T. GRCh37 (hg19) VCF-style: chr9-36234095-C-T.
Other names: c.897G>A, p.Lys299= (NM_001128227.3); c.804G>A, p.Lys268= (NM_001190383.3); c.474G>A, p.Lys158= (NM_001190384.3); c.627G>A, p.Lys209= (NM_001190388.2, NM_001374798.1); c.651G>A, p.Lys217= (NM_001374797.1).
Identifiers: ClinVar variation 285652 (VCV000285652.44), dbSNP rs141814943, ClinGen allele CA5056653.

ClinVar aggregate classification (germline): Conflicting classifications of pathogenicity. Review status: criteria provided, conflicting classifications (1 of 4 stars). 7 submissions from 7 submitters: Uncertain significance (1); Likely benign (4). 2 of the submissions do not count toward it. Last evaluated 2026-09-01.

Conditions:
GNE-related disorder. Also called: GNE-related condition.
GNE myopathy (NM). Also called: INCLUSION BODY MYOPATHY, HEREDITARY, AUTOSOMAL RECESSIVE; INCLUSION BODY MYOPATHY 2, AUTOSOMAL RECESSIVE; MYOPATHY, DISTAL, WITH OR WITHOUT RIMMED VACUOLES; IBM 2; Inclusion body myopathy autosomal recessive; Inclusion body myopathy quadriceps sparing. Identifiers: Orphanet 602, MedGen C1853926, MONDO:0011603, OMIM 605820.
Sialuria. Also called: Sialic Acid Storage Disease; SIALURIA, FRENCH TYPE. Identifiers: Orphanet 3166, MedGen C0342853, MONDO:0010028, OMIM 269921.

Allele frequency attached by ClinVar (database versions not stated): gnomAD 0.00013 and 0.00015; gnomAD exomes 0.00018 and 0.00031; TOPMed 0.00020; ExAC 0.00021; ESP Exome Variant Server 0.00023.
gnomAD v4.1: 471 of 1,613,788 alleles (0.029%); highest among the groups gnomAD compares: Non-Finnish European, 0.038%; 1 homozygote.

Submissions (7):

CeGaT Center for Human Genetics Tuebingen
Classification: Likely benign. Last evaluated: 2026-09-01. Review status: criteria provided, single submitter. Criteria: CeGaT Center For Human Genetics Tuebingen Variant Classification Criteria Version 2. Collection method: clinical testing. Allele origin: germline. Affected: yes. Observed: 2 variant alleles.
Comment: GNE: BP4, BP7

Labcorp Genetics (formerly Invitae), Labcorp
Classification: Likely benign for Sialuria; GNE myopathy. Last evaluated: 2026-01-14. Review status: criteria provided, single submitter. Criteria: Invitae Variant Classification Sherloc (09022015). Collection method: clinical testing. Allele origin: germline.

Blueprint Genetics
Classification: Likely benign. Last evaluated: 2024-11-04. Review status: criteria provided, single submitter. Criteria: ACMG Guidelines, 2015. Collection method: clinical testing. Allele origin: germline.

GeneDx
Classification: Likely benign. Last evaluated: 2019-03-25. Review status: criteria provided, single submitter. Criteria: GeneDx Variant Classification Process June 2021. Collection method: clinical testing. Allele origin: germline. Affected: yes.

Eurofins Ntd Llc (ga)
Classification: Uncertain significance. Last evaluated: 2017-03-23. Review status: criteria provided, single submitter. Criteria: EGL Classification Definitions 2015. Collection method: clinical testing. Allele origin: germline. Observed: 3 variant alleles, 3 heterozygotes.

Natera, Inc.
Classification: Likely benign for Nonaka myopathy. Last evaluated: 2020-09-16. Review status: no assertion criteria provided. Collection method: clinical testing. Allele origin: germline. Not counted in ClinVar's aggregate classification.

PreventionGenetics, part of Exact Sciences
Classification: Likely benign for GNE-related condition. Last evaluated: 2020-07-02. Review status: no assertion criteria provided. Collection method: clinical testing. Allele origin: germline. Not counted in ClinVar's aggregate classification.
Comment: This variant is classified as likely benign based on ACMG/AMP sequence variant interpretation guidelines (Richards et al. 2015 PMID: 25741868, with internal and published modifications).